The following is an entry in ClinVar:

NM_153026.3(PRICKLE1):c.1032T>G (p.Asp344Glu)

Genes: PRICKLE1 (prickle planar cell polarity protein 1; minus strand), LOC126861509 (BRD4-independent group 4 enhancer GRCh37_chr12:42858567-42859766; plus strand). Cytogenetic location: 12q12.
Variant type: single nucleotide variant.
Coding change: c.1032T>G on transcript NM_153026.3 (MANE Select); coding-DNA position 1032, T replaced by G.
Protein change: p.Asp344Glu; replaces aspartic acid 344 with glutamic acid.
Molecular consequence: missense variant.
Genome position (GRCh38, 1-based): chr12:42,465,002, A>C on the plus strand (T>G on the coding strand, the complement: PRICKLE1 is on the minus strand). VCF-style: chr12-42465002-A-C. GRCh37 (hg19) VCF-style: chr12-42858804-A-C.
Other names: c.1032T>G, p.Asp344Glu (NM_001144881.2, NM_001144882.2, NM_001144883.2); short protein forms D344E.
Identifiers: ClinVar variation 2160805 (VCV002160805.4), dbSNP rs1395109384, ClinGen allele CA384442616.

ClinVar aggregate classification (germline): Uncertain significance (1 of 4 stars; one submission).

Conditions:
Epilepsy, progressive myoclonic, 1B. Also called: PME. Identifiers: Orphanet 308, MedGen C2676254, MONDO:0012904, OMIM 612437.

gnomAD v4.1: 2 of 1,609,224 alleles (0.00012%); highest among the groups gnomAD compares: Middle Eastern, 0.017%; no homozygotes.

Submission:

Labcorp Genetics (formerly Invitae), Labcorp
Classification: Uncertain significance for Epilepsy, progressive myoclonic, 1B. Last evaluated: 2022-06-22. Review status: criteria provided, single submitter. Criteria: Invitae Variant Classification Sherloc (09022015). Collection method: clinical testing. Allele origin: germline.
Comment: In summary, the available evidence is currently insufficient to determine the role of this variant in disease. Therefore, it has been classified as a Variant of Uncertain Significance. Algorithms developed to predict the effect of missense changes on protein structure and function are either unavailable or do not agree on the potential impact of this missense change (SIFT: "Deleterious"; PolyPhen-2: "Benign"; Align-GVGD: "Class C0"). This variant has not been reported in the literature in individuals affected with PRICKLE1-related conditions. This variant is present in population databases (no rsID available, gnomAD 0.0009%). This sequence change replaces aspartic acid, which is acidic and polar, with glutamic acid, which is acidic and polar, at codon 344 of the PRICKLE1 protein (p.Asp344Glu).